The following is an entry in ClinVar:

NM_032119.4(ADGRV1):c.2805C>T (p.Asp935=)

Gene: ADGRV1 (adhesion G protein-coupled receptor V1; plus strand). Cytogenetic location: 5q14.3.
Variant type: single nucleotide variant.
Coding change: c.2805C>T on transcript NM_032119.4 (MANE Select); coding-DNA position 2805, C replaced by T.
Protein change: p.Asp935=; no amino-acid change (aspartic acid 935 retained).
Molecular consequence: synonymous variant. On other transcripts: non-coding transcript variant (1).
Genome position (GRCh38, 1-based): chr5:90,644,776, C>T. VCF-style: chr5-90644776-C-T. GRCh37 (hg19) VCF-style: chr5-89940593-C-T.
Other names: c.2805C>T (NM_032119.3).
Identifiers: ClinVar variation 1130037 (VCV001130037.11), dbSNP rs756362208, ClinGen allele CA3339023.
Genomic context (GRCh38, chr5:90,644,776, plus strand): 5'-TGTAGTAAGAAATCGAGGCAACTTTGGTGATGTTAGTGTATCATGGGTGGTTAGTCCAGA[C>T]TTTACACAAGATGTATTTCCTGTACAAGGGACTGTTGTCTTTGGAGATCAGGAATTTTCA-3'
Protein context (NP_115495.3, residues 925-945): DVSVSWVVSP[Asp935=]FTQDVFPVQG

ClinVar aggregate classification (germline): Likely benign. Review status: criteria provided, multiple submitters, no conflicts (2 of 4 stars). 3 submissions from 3 submitters: Likely benign (2). 1 of the submissions does not count toward it. Last evaluated 2026-01-11.

Conditions:
ADGRV1-related disorder. Also called: ADGRV1-related condition; ADGRV1-related disorders.

Allele frequency attached by ClinVar (database versions not stated): ExAC 0.00001; gnomAD exomes 0.00001; TOPMed 0.00001; gnomAD 0.00002 and 0.00003.
gnomAD v4.1: 15 of 1,611,382 alleles (0.00093%); highest among the groups gnomAD compares: Middle Eastern, 0.049%; no homozygotes.

Submissions (3):

Labcorp Genetics (formerly Invitae), Labcorp
Classification: Likely benign. Last evaluated: 2026-01-11. Review status: criteria provided, single submitter. Criteria: Invitae Variant Classification Sherloc (09022015). Collection method: clinical testing. Allele origin: germline.

Blueprint Genetics
Classification: Likely benign. Last evaluated: 2024-11-07. Review status: criteria provided, single submitter. Criteria: ACMG Guidelines, 2015. Collection method: clinical testing. Allele origin: germline.

PreventionGenetics, part of Exact Sciences
Classification: Likely benign for ADGRV1-related condition. Last evaluated: 2024-06-11. Review status: no assertion criteria provided. Collection method: clinical testing. Allele origin: germline. Not counted in ClinVar's aggregate classification.
Comment: This variant is classified as likely benign based on ACMG/AMP sequence variant interpretation guidelines (Richards et al. 2015 PMID: 25741868, with internal and published modifications).